The following is an entry in ClinVar:

ClinVar aggregate classification (germline): Pathogenic (1 of 4 stars; one submission).

Conditions:
Familial hypobetalipoproteinemia 1. Also called: APOB-Related Familial Hypobetalipoproteinemia; Hypobetalipoproteinemia, normotriglyceridemic; Acanthocytosis with hypobetalipoproteinemia. Identifiers: MedGen C4551990, MONDO:0014252, OMIM 615558.
Hypercholesterolemia, autosomal dominant, type B (FHCL2). Also called: Familial Hypercholesterolemia Type B; APOLIPOPROTEIN B-100, FAMILIAL DEFECTIVE; APOLIPOPROTEIN B-100, FAMILIAL LIGAND-DEFECTIVE; HYPERCHOLESTEROLEMIA, FAMILIAL, DUE TO LIGAND-DEFECTIVE APOLIPOPROTEIN B; Hyperlipoproteinemia Type IIb; Familial hypercholesterolemia 2. Identifiers: MedGen C1704417, MONDO:0007751, OMIM 144010.

Submission:

Labcorp Genetics (formerly Invitae), Labcorp
Classification: Pathogenic for Familial hypobetalipoproteinemia 1; Hypercholesterolemia, autosomal dominant, type B. Last evaluated: 2024-07-23. Review status: criteria provided, single submitter. Criteria: Invitae Variant Classification Sherloc (09022015). Collection method: clinical testing. Allele origin: germline.
Comment: This sequence change creates a premature translational stop signal (p.Glu2438*) in the APOB gene. It is expected to result in an absent or disrupted protein product. Loss-of-function variants in APOB are known to be pathogenic (PMID: 20032471). This variant is not present in population databases (gnomAD no frequency). This variant has not been reported in the literature in individuals affected with APOB-related conditions. For these reasons, this variant has been classified as Pathogenic.

Literature cited by the submitters: PubMed 20032471.

NM_000384.3(APOB):c.7312G>T (p.Glu2438Ter)

Gene: APOB (apolipoprotein B; minus strand). Cytogenetic location: 2p24.1.
Variant type: single nucleotide variant.
Coding change: c.7312G>T on transcript NM_000384.3 (MANE Select); coding-DNA position 7312, G replaced by T.
Protein change: p.Glu2438Ter; replaces glutamic acid 2438 with a stop codon.
Molecular consequence: nonsense.
Genome position (GRCh38, 1-based): chr2:21,009,556, C>A on the plus strand (G>T on the coding strand, the complement: APOB is on the minus strand). VCF-style: chr2-21009556-C-A. GRCh37 (hg19) VCF-style: chr2-21232428-C-A.
Other names: short protein forms E2438*.
Identifiers: ClinVar variation 3751084 (VCV003751084.2).
Genomic context (GRCh38, chr2:21,009,556, plus strand): 5'-CCAGAGCCTGAATTTCACCATTGAGTCTCTGAGTCACCTCACGGATTTTGTCATTGGTTT[C>A]ATCTACAAACTGGTGGTAATCAAATGACTTTAATTTCTTTATCAACATGTCAAGGAATTT-3'